The following is an entry in ClinVar:

NM_004415.4(DSP):c.7396G>A (p.Val2466Met)

Gene: DSP (desmoplakin; plus strand). Cytogenetic location: 6p24.3.
Variant type: single nucleotide variant.
Coding change: c.7396G>A on transcript NM_004415.4 (MANE Select); coding-DNA position 7396, G replaced by A.
Protein change: p.Val2466Met; replaces valine 2466 with methionine.
Molecular consequence: missense variant.
Genome position (GRCh38, 1-based): chr6:7,584,658, G>A. VCF-style: chr6-7584658-G-A. GRCh37 (hg19) VCF-style: chr6-7584891-G-A.
Other names: c.5599G>A, p.Val1867Met (NM_001008844.3); c.6067G>A, p.Val2023Met (NM_001319034.2); short protein forms V2023M, V2466M, V1867M.
Identifiers: ClinVar variation 954060 (VCV000954060.13), dbSNP rs745862520, ClinGen allele CA049815.

ClinVar aggregate classification (germline): Conflicting classifications of pathogenicity. Review status: criteria provided, conflicting classifications (1 of 4 stars). 3 submissions from 3 submitters: Uncertain significance (2); Likely benign (1). Last evaluated 2025-11-09.

Conditions:
Arrhythmogenic cardiomyopathy with wooly hair and keratoderma. Also called: Carvajal syndrome; PALMOPLANTAR KERATODERMA WITH LEFT VENTRICULAR CARDIOMYOPATHY AND WOOLLY HAIR; Dilated cardiomyopathy with woolly hair and keratoderma; Arrhythmogenic cardiomyopathy with woolly hair and keratoderma. Identifiers: Orphanet 65282, MedGen C1854063, MONDO:0011581, OMIM 605676.
Arrhythmogenic right ventricular dysplasia 8 (ARVD8). Also called: Arrhythmogenic Right Ventricular Dysplasia/Cardiomyopathy 8; ARRHYTHMOGENIC RIGHT VENTRICULAR DYSPLASIA, FAMILIAL, 8; ARRHYTHMOGENIC RIGHT VENTRICULAR CARDIOMYOPATHY 8. Identifiers: MedGen C1843896, MONDO:0011831, OMIM 607450.
Cardiovascular phenotype. Identifiers: MedGen CN230736.

Allele frequency attached by ClinVar (database versions not stated): gnomAD exomes below 0.00001 and 0.00001; TOPMed below 0.00001; ExAC 0.00001; gnomAD 0.00001.
gnomAD v4.1: 5 of 1,613,948 alleles (0.00031%); highest among the groups gnomAD compares: African/African-American, 0.004%; no homozygotes.

Submissions (3):

Labcorp Genetics (formerly Invitae), Labcorp
Classification: Likely benign for Arrhythmogenic cardiomyopathy with wooly hair and keratoderma; Arrhythmogenic right ventricular dysplasia 8. Last evaluated: 2025-11-09. Review status: criteria provided, single submitter. Criteria: Invitae Variant Classification Sherloc (09022015). Collection method: clinical testing. Allele origin: germline.

All of Us Research Program, National Institutes of Health
Classification: Uncertain significance for Arrhythmogenic cardiomyopathy with wooly hair and keratoderma. Last evaluated: 2023-10-02. Review status: criteria provided, single submitter. Criteria: ACMG Guidelines, 2015. Collection method: clinical testing. Allele origin: germline. Inheritance: Autosomal dominant inheritance. Observed: 2 variant alleles, 2 heterozygotes.
Comment: This missense variant replaces valine with methionine at codon 2466 of the DSP protein. Computational prediction suggests that this variant may not impact protein structure and function (internally defined REVEL score threshold <= 0.5, PMID: 27666373). To our knowledge, functional studies have not been reported for this variant. This variant has not been reported in individuals affected with DSP-related disorders in the literature. This variant has been identified in 2/251276 chromosomes in the general population by the Genome Aggregation Database (gnomAD). The available evidence is insufficient to determine the role of this variant in disease conclusively. Therefore, this variant is classified as a Variant of Uncertain Significance.

This study involves interpretation of variants in research participants for the purpose of population health screening. Participant phenotype was not available at the time of variant classification. Additional details can be found in publication PMID: 35346344, PMCID: PMC8962531

Ambry Genetics
Classification: Uncertain significance for Cardiovascular phenotype. Last evaluated: 2021-03-18. Review status: criteria provided, single submitter. Criteria: Ambry Variant Classification Scheme 2023. Collection method: clinical testing. Allele origin: germline.
Comment: The p.V2466M variant (also known as c.7396G>A), located in coding exon 24 of the DSP gene, results from a G to A substitution at nucleotide position 7396. The valine at codon 2466 is replaced by methionine, an amino acid with highly similar properties. This amino acid position is highly conserved in available vertebrate species. In addition, the in silico prediction for this alteration is inconclusive. Since supporting evidence is limited at this time, the clinical significance of this alteration remains unclear.